The following is an entry in ClinVar:

ClinVar aggregate classification (germline): Conflicting classifications of pathogenicity. Review status: criteria provided, conflicting classifications (1 of 4 stars). 28 submissions from 26 submitters: Pathogenic (12); Likely pathogenic (11); Uncertain significance (3). 2 of the submissions do not count toward it. Last evaluated 2026-05-10.

Conditions:
CFTR-related disorder (CFTR-RD). Also called: CFTR-related disorders; CFTR-related condition. Identifiers: MedGen C5924204, MONDO:7770004.
Congenital bilateral aplasia of vas deferens from CFTR mutation (CBAVD). Identifiers: Orphanet 48, MedGen C0403814, MONDO:0010178, OMIM 277180. Disease mechanism: loss of function.
Cystic fibrosis (CF). Also called: MUCOVISCIDOSIS. Identifiers: Orphanet 586, MedGen C0010674, MONDO:0009061, OMIM 219700. Disease mechanism: loss of function.
Hereditary pancreatitis (PCTT). Also called: PRSS1-Related Hereditary Pancreatitis; Hereditary chronic pancreatitis. Identifiers: Orphanet 676, MedGen C0238339, MONDO:0008185, OMIM 167800.
Bronchiectasis with or without elevated sweat chloride 1 (BESC1). Also called: Cystic Fibrosis-Like Syndrome. Identifiers: Orphanet 60033, MedGen C2749757, MONDO:0008887, OMIM 211400.

Allele frequency attached by ClinVar (database versions not stated): TOPMed 0.00004; gnomAD 0.00006 and 0.00007; ESP Exome Variant Server 0.00008.

Submissions 1 to 7 of 28:

PreventionGenetics, part of Exact Sciences
Classification: Likely pathogenic for CFTR-related condition. Last evaluated: 2026-05-10. Review status: criteria provided, single submitter. Criteria: ACMG Guidelines, 2015. Collection method: clinical testing. Allele origin: germline.
Comment: The CFTR c.2856G>C variant is predicted to result in the amino acid substitution p.Met952Ile. This variant has been reported in the compound heterozygous state in multiple individuals with congenital bilateral absence of the vas deferens (CBAVD) (Steiner et al. 2011. PubMed ID: 21520337; Dayangaç et al. 2004. PubMed ID: 15070876; Ratbi et al. 2007. PubMed ID: 17329263; CFTR-France Database, ?). This variant has also been reported in the heterozygous state in multiple individuals with cystic fibrosis (CF) without identification of a second pathogenic variant (Desgeorges et al. 1997. PubMed ID: 9254864; Onay et al. 1998. PubMed ID: 9521595; Soltysova et al. 2017. PubMed ID: 28544683) and with additional CFTR pathogenic variants in an individual with CF in whom phase was not determined (Kammesheidt et al. 2006. PubMed ID: 16980811). This variant is reported in 0.011% of alleles in individuals of European (non-Finnish) descent in gnomAD. Taken together, we classify this variant as likely pathogenic for CFTR-related disorders.

Labcorp Genetics (formerly Invitae), Labcorp
Classification: Pathogenic for Cystic fibrosis. Last evaluated: 2026-01-26. Review status: criteria provided, single submitter. Criteria: Invitae Variant Classification Sherloc (09022015). Collection method: clinical testing. Allele origin: germline.
Comment: This sequence change replaces methionine, which is neutral and non-polar, with isoleucine, which is neutral and non-polar, at codon 952 of the CFTR protein (p.Met952Ile). This variant is present in population databases (rs151048781, gnomAD 0.01%). This missense change has been observed in individual(s) with congenital bilateral absence of the vas deferens or cystic fibrosis (PMID: 10200050, 15070876, 15287992, 16272798, 16980811, 21520337, 23276700). In at least one individual the data is consistent with being in trans (on the opposite chromosome) from a pathogenic variant. ClinVar contains an entry for this variant (Variation ID: 53580). Invitae Evidence Modeling of protein sequence and biophysical properties (such as structural, functional, and spatial information, amino acid conservation, physicochemical variation, residue mobility, and thermodynamic stability) indicates that this missense variant is expected to disrupt CFTR protein function with a positive predictive value of 80%. This variant disrupts the p.Met952 amino acid residue in CFTR. Other variant(s) that disrupt this residue have been observed in individuals with CFTR-related conditions (PMID: 10875853), which suggests that this may be a clinically significant amino acid residue. For these reasons, this variant has been classified as Pathogenic.

3billion
Classification: Pathogenic for Congenital bilateral aplasia of vas deferens from CFTR mutation. Last evaluated: 2025-12-18. Review status: criteria provided, single submitter. Criteria: ACMG Guidelines, 2015. Collection method: clinical testing. Allele origin: germline. Affected: yes.
Comment: The variant is observed at an extremely low frequency in the gnomAD v4.1.0 dataset (total allele frequency: 0.005%). Predicted Consequence/Location: Missense variant In silico tool predictions suggest damaging effect of the variant on gene or gene product [REVEL: 0.82 (>=0.6, sensitivity 0.68 and specificity 0.92); 3Cnet: 0.85 (> 0.75, sensitivity 0.96 and precision 0.92)]. The same nucleotide change resulting in the same amino acid change has been previously reported as pathogenic/likely pathogenic with strong evidence (ClinVar ID: VCV000053580 /PMID: 9254864 /3billion dataset). The variant has been reported to be in trans with a pathogenic variant as either compound heterozygous or homozygous in at least one similarly affected unrelated individual (PMID: 15287992). A different missense change at the same codon (p.Met952Thr) has been reported to be associated with CFTR-related disorder (ClinVar ID: VCV000053579 /PMID: 10875853). Therefore, this variant is classified as Pathogenic according to the recommendation of ACMG/AMP guideline.

Institute of Immunology and Genetics Kaiserslautern
Classification: Pathogenic for Congenital bilateral aplasia of vas deferens from CFTR mutation; Cystic fibrosis. Last evaluated: 2025-12-08. Review status: criteria provided, single submitter. Criteria: ACMG Guidelines, 2015. Collection method: clinical testing. Allele origin: germline. Affected: yes.
Comment: ACMG Criteria: PS1_M, PS4, PM2_P, PM3, PP3 ; Variant was found in heterozygous state. This variant is related to CFTR-associated conditions.

Ambry Genetics
Classification: Likely pathogenic for Cystic fibrosis. Last evaluated: 2025-09-29. Review status: criteria provided, single submitter. Criteria: Ambry Variant Classification Scheme 2023. Collection method: clinical testing. Allele origin: germline.
Comment: The p.M952I variant (also known as c.2856G>C), located in coding exon 17 of the CFTR gene, results from a G to C substitution at nucleotide position 2856. The methionine at codon 952 is replaced by isoleucine, an amino acid with highly similar properties. CFTR p.M952I (c.2586G>A or c.2586G>C) was originally identified in an individual with severe pulmonary disease, pancreatic insufficiency, and an elevated sweat chloride level; a second CFTR alteration was not identified (Desgeorges M et al. Hum. Genet., 1997 Aug;100:279-83). This variant was also detected in conjunction with pathogenic CFTR mutations in individuals with idiopathic chronic pancreatitis and congenital bilateral absence of the vas deferens (CBAVD) (Uzun S et al. Tohoku J. Exp. Med., 2005 Dec;207:279-85; Ratbi I et al. Hum. Reprod. 2007;22(5):1285-91; Steiner B et al. Hum. Mutat. 2011 Aug;32(8):912-20; Akinsal EC et al. Andrologia, 2018 Feb; Rudnik-Sch&ouml;neborn S et al. Hum Reprod, 2021 02;36:551-559). This amino acid position is highly conserved in available vertebrate species. In addition, this alteration is predicted to be deleterious by in silico analysis. Based on available evidence to date, this variant is unlikely to be causative of classic cystic fibrosis; however, it likely contributes to the development of a CFTR-related disorder. This alteration is thus classified as likely pathogenic.

Institute of Human Genetics, University of Leipzig Medical Center
Classification: Likely pathogenic for Cystic fibrosis. Last evaluated: 2024-10-21. Review status: criteria provided, single submitter. Criteria: ACMG Guidelines, 2015. Collection method: clinical testing. Allele origin: unknown. Inheritance: Autosomal recessive inheritance. Affected: yes.
Comment: Criteria applied: PM3_STR,PP3_MOD

Quest Diagnostics Nichols Institute San Juan Capistrano
Classification: Likely pathogenic. Last evaluated: 2024-08-30. Review status: criteria provided, single submitter. Criteria: Quest Diagnostics criteria. Collection method: clinical testing. Allele origin: unknown.
Comment: The CFTR c.2856G>C (p.Met952Ile) variant has been reported in multiple individuals with congenital bilateral absence of the vas deferens (CBAVD) who were also positive for a pathogenic variant in the CFTR gene known to be associated with cystic fibrosis (CF) (PMID: 15070876 (2004), 16272798 (2005), 17329263 (2007), 21520337 (2011), 29484681 (2018)). This variant has been reported in individuals with a diagnosis of CF, but a second CFTR variant was either not identified or the genotype of the affected individual was not reported (PMID: 9254864 (1997), 11446424 (2001), 15948195 (2005), 16617247 (2006), 28544683 (2017)). It has also been reported in individuals with classic CF who were positive for two other variants that prevent the synthesis of CFTR protein (PMID: 16980811 (2006), 23276700 (2013)). The frequency of this variant in the general population (0.00011, 13/113696 chromosomes (Genome Aggregation Database)) is uninformative in the assessment of its pathogenicity. Analysis of this variant using bioinformatics tools for the prediction of the effect of amino acid changes on protein structure and function yielded predictions that this variant is deleterious. Based on the available information, this variant is classified as a likely pathogenic variant that is associated with CFTR-related disorders (CFTR-RD).

NM_000492.4(CFTR):c.2856G>C (p.Met952Ile)

Gene: CFTR (CF transmembrane conductance regulator; plus strand). Cytogenetic location: 7q31.2.
Variant type: single nucleotide variant.
Coding change: c.2856G>C on transcript NM_000492.4 (MANE Select); coding-DNA position 2856, G replaced by C.
Protein change: p.Met952Ile; replaces methionine 952 with isoleucine.
Molecular consequence: missense variant.
Genome position (GRCh38, 1-based): chr7:117,603,730, G>C. VCF-style: chr7-117603730-G-C. GRCh37 (hg19) VCF-style: chr7-117243784-G-C.
Other names: short protein forms M952I.
Identifiers: ClinVar variation 53580 (VCV000053580.77), dbSNP rs151048781, ClinGen allele CA326946.
Genomic context (GRCh38, chr7:117,603,730, plus strand): 5'-CAGAGGTCTACCACTGGTGCATACTCTAATCACAGTGTCGAAAATTTTACACCACAAAAT[G>C]TTACATTCTGTTCTTCAAGCACCTATGTCAACCCTCAACACGTTGAAAGCAGGTACTTTA-3'
Protein context (NP_000483.3, residues 942-962): ITVSKILHHK[Met952Ile]LHSVLQAPMS